The following is an entry in ClinVar:

ClinVar aggregate classification (germline): Conflicting classifications of pathogenicity. Review status: criteria provided, conflicting classifications (1 of 4 stars). 6 submissions from 6 submitters: Uncertain significance (5); Likely benign (1). Last evaluated 2025-05-19.

Conditions:
Episodic ataxia type 2 (EA2). Also called: ACETAZOLAMIDE-RESPONSIVE HEREDITARY PAROXYSMAL CEREBELLAR ATAXIA; ATAXIA, EPISODIC, WITH NYSTAGMUS; ATAXIA, FAMILIAL PAROXYSMAL; CEREBELLAR ATAXIA, PAROXYSMAL, ACETAZOLAMIDE-RESPONSIVE; CEREBELLOPATHY, HEREDITARY PAROXYSMAL; EPISODIC ATAXIA, NYSTAGMUS-ASSOCIATED. Identifiers: Orphanet 97, MedGen C1720416, MONDO:0007163, OMIM 108500.
Developmental and epileptic encephalopathy, 42 (DEE42A). Also called: Epileptic encephalopathy, early infantile, 42; DEVELOPMENTAL AND EPILEPTIC ENCEPHALOPATHY 42A; EPILEPTIC ENCEPHALOPATHY, EARLY INFANTILE, 42A. Identifiers: MedGen C4310716, MONDO:0014917, OMIM 617106.
Inborn genetic diseases. Identifiers: MedGen C0950123, MeSH D030342.

Allele frequency attached by ClinVar (database versions not stated): ExAC 0.00001; gnomAD 0.00001; gnomAD exomes 0.00001 and 0.00002; TOPMed 0.00001.
gnomAD v4.1: 23 of 1,577,218 alleles (0.0015%); highest among the groups gnomAD compares: East Asian, 0.0023%; no homozygotes.

Submissions (6):

Labcorp Genetics (formerly Invitae), Labcorp
Classification: Likely benign for Developmental and epileptic encephalopathy, 42; Episodic ataxia type 2. Last evaluated: 2025-05-19. Review status: criteria provided, single submitter. Criteria: Invitae Variant Classification Sherloc (09022015). Collection method: clinical testing. Allele origin: germline.

Blueprint Genetics
Classification: Uncertain significance. Last evaluated: 2024-11-18. Review status: criteria provided, single submitter. Criteria: ACMG Guidelines, 2015. Collection method: clinical testing. Allele origin: germline.

Ambry Genetics
Classification: Uncertain significance for Inborn genetic diseases. Last evaluated: 2024-10-19. Review status: criteria provided, single submitter. Criteria: Ambry Variant Classification Scheme 2023. Collection method: clinical testing. Allele origin: germline.

Athena Diagnostics
Classification: Uncertain significance. Last evaluated: 2023-01-10. Review status: criteria provided, single submitter. Criteria: Athena Diagnostics Criteria. Collection method: clinical testing. Allele origin: unknown.
Comment: Available data are insufficient to determine the clinical significance of the variant at this time. The frequency of this variant in the general population is uninformative in assessment of its pathogenicity. Computational tools disagree on the variant's effect on normal protein function.

GeneDx
Classification: Uncertain significance. Last evaluated: 2021-12-30. Review status: criteria provided, single submitter. Criteria: GeneDx Variant Classification Process June 2021. Collection method: clinical testing. Allele origin: germline. Affected: yes.
Comment: In silico analysis supports that this missense variant has a deleterious effect on protein structure/function; Has not been previously published as pathogenic or benign to our knowledge

Human Genome Sequencing Center Clinical Lab, Baylor College of Medicine
Classification: Uncertain significance for Episodic ataxia 2. Review status: criteria provided, single submitter. Criteria: ACMG Guidelines, 2015. Collection method: clinical testing. Allele origin: germline.

NM_001127222.2(CACNA1A):c.3364C>T (p.Arg1122Cys)

Gene: CACNA1A (calcium voltage-gated channel subunit alpha1 A; minus strand). Cytogenetic location: 19p13.13.
Variant type: single nucleotide variant.
Coding change: c.3364C>T on transcript NM_001127222.2 (MANE Select); coding-DNA position 3364, C replaced by T.
Protein change: p.Arg1122Cys; replaces arginine 1122 with cysteine.
Molecular consequence: missense variant.
Genome position (GRCh38, 1-based): chr19:13,286,692, G>A on the plus strand (C>T on the coding strand, the complement: CACNA1A is on the minus strand). VCF-style: chr19-13286692-G-A. GRCh37 (hg19) VCF-style: chr19-13397506-G-A.
Other names: c.3376C>T, p.Arg1126Cys (NM_000068.4, NM_023035.3); c.3367C>T, p.Arg1123Cys (NM_001127221.2, NM_001174080.2); c.3367C>T (NM_000068.2); short protein forms R1122C, R1123C, R1126C.
Identifiers: ClinVar variation 863194 (VCV000863194.12), dbSNP rs774407963, ClinGen allele CA9240352.